The following is an entry in ClinVar:

NM_001042492.3(NF1):c.1025T>G (p.Ile342Ser)

Gene: NF1 (neurofibromin 1; plus strand). Cytogenetic location: 17q11.2.
Variant type: single nucleotide variant.
Coding change: c.1025T>G on transcript NM_001042492.3 (MANE Select); coding-DNA position 1025, T replaced by G.
Protein change: p.Ile342Ser; replaces isoleucine 342 with serine.
Molecular consequence: missense variant.
Genome position (GRCh38, 1-based): chr17:31,200,558, T>G. VCF-style: chr17-31200558-T-G. GRCh37 (hg19) VCF-style: chr17-29527576-T-G.
Other names: c.1025T>G, p.Ile342Ser (NM_000267.4, NM_001128147.3); short protein forms I342S.
Identifiers: ClinVar variation 2859350 (VCV002859350.3), dbSNP rs2544794235, ClinGen allele CA398996361.

ClinVar aggregate classification (germline): Uncertain significance (1 of 4 stars; one submission).

Conditions:
Neurofibromatosis, type 1 (NF1). Also called: Neurofibromatosis, type I; NEUROFIBROMATOSIS, TYPE I, SOMATIC; Peripheral type neurofibromatosis; VON RECKLINGHAUSEN DISEASE. Identifiers: Orphanet 636, MedGen C0027831, MONDO:0018975, OMIM 162200. Disease mechanism: loss of function.

Submission:

Labcorp Genetics (formerly Invitae), Labcorp
Classification: Uncertain significance for Neurofibromatosis, type 1. Last evaluated: 2023-04-26. Review status: criteria provided, single submitter. Criteria: Invitae Variant Classification Sherloc (09022015). Collection method: clinical testing. Allele origin: germline.
Comment: In summary, the available evidence is currently insufficient to determine the role of this variant in disease. Therefore, it has been classified as a Variant of Uncertain Significance. Advanced modeling of protein sequence and biophysical properties (such as structural, functional, and spatial information, amino acid conservation, physicochemical variation, residue mobility, and thermodynamic stability) performed at Invitae indicates that this missense variant is expected to disrupt NF1 protein function. This variant has not been reported in the literature in individuals affected with NF1-related conditions. This variant is not present in population databases (gnomAD no frequency). This sequence change replaces isoleucine, which is neutral and non-polar, with serine, which is neutral and polar, at codon 342 of the NF1 protein (p.Ile342Ser).